The following is an entry in ClinVar:

ClinVar aggregate classification (germline): Benign/Likely benign. Review status: criteria provided, multiple submitters, no conflicts (2 of 4 stars). 7 submissions from 7 submitters: Benign (1); Likely benign (6). Last evaluated 2025-11-05.

Conditions:
Classic or attenuated familial adenomatous polyposis. Identifiers: MedGen CN372698, MONDO:0021057.
Hereditary cancer-predisposing syndrome. Also called: Hereditary neoplastic syndrome; Neoplastic Syndromes, Hereditary; Tumor predisposition; Hereditary Cancer Syndrome. Identifiers: Orphanet 140162, MedGen C0027672, MeSH D009386, MONDO:0015356.
Familial adenomatous polyposis 1 (FAP1). Also called: FAMILIAL ADENOMATOUS POLYPOSIS 1, ATTENUATED; POLYPOSIS, ADENOMATOUS INTESTINAL. Identifiers: MedGen C2713442, MONDO:0021056, OMIM 175100. Disease mechanism: loss of function.

Allele frequency attached by ClinVar (database versions not stated): gnomAD exomes 0.00001 and 0.00003; ExAC 0.00003; TOPMed 0.00014; gnomAD 0.00015 and 0.00016; 1000 Genomes Project 30x 0.00016; 1000 Genomes Project 0.00020; ESP Exome Variant Server 0.00031.
gnomAD v4.1: 37 of 1,614,002 alleles (0.0023%); highest among the groups gnomAD compares: African/African-American, 0.041%; no homozygotes.

Submissions (7):

Labcorp Genetics (formerly Invitae), Labcorp
Classification: Likely benign for Familial adenomatous polyposis 1. Last evaluated: 2025-11-05. Review status: criteria provided, single submitter. Criteria: Invitae Variant Classification Sherloc (09022015). Collection method: clinical testing. Allele origin: germline.

All of Us Research Program, National Institutes of Health
Classification: Likely benign for Classic or attenuated familial adenomatous polyposis. Last evaluated: 2024-07-29. Review status: criteria provided, single submitter. Criteria: ACMG Guidelines, 2015. Collection method: clinical testing. Allele origin: germline. Inheritance: Autosomal dominant inheritance. Observed: 10 variant alleles, 10 heterozygotes.
Comment: This study involves interpretation of variants in research participants for the purpose of population health screening. Participant phenotype was not available at the time of variant classification. Additional details can be found in publication PMID: 35346344, PMCID: PMC8962531

Myriad Genetics, Inc.
Classification: Benign for Familial adenomatous polyposis 1. Last evaluated: 2024-04-01. Review status: criteria provided, single submitter. Criteria: Myriad Autosomal Dominant, Autosomal Recessive and X-Linked Classification Criteria (2023). Collection method: clinical testing. Allele origin: unknown.
Comment: This variant is considered benign. This variant is a silent/synonymous amino acid change and it is not expected to impact splicing.

GeneDx
Classification: Likely benign. Last evaluated: 2020-10-19. Review status: criteria provided, single submitter. Criteria: GeneDx Variant Classification Process June 2021. Collection method: clinical testing. Allele origin: germline. Affected: yes.

PreventionGenetics, part of Exact Sciences
Classification: Likely benign. Last evaluated: 2017-07-28. Review status: criteria provided, single submitter. Criteria: ACMG Guidelines, 2015. Collection method: clinical testing. Allele origin: germline.

Color Diagnostics, LLC DBA Color Health
Classification: Likely benign for Hereditary cancer-predisposing syndrome. Last evaluated: 2016-03-18. Review status: criteria provided, single submitter. Criteria: ACMG Guidelines, 2015. Collection method: clinical testing. Allele origin: germline.

Ambry Genetics
Classification: Likely benign for Hereditary cancer-predisposing syndrome. Last evaluated: 2014-09-26. Review status: criteria provided, single submitter. Criteria: Ambry Variant Classification Scheme 2023. Collection method: clinical testing. Allele origin: germline.

NM_000038.6(APC):c.5178A>G (p.Glu1726=)

Gene: APC (APC regulator of Wnt signaling pathway; plus strand). Cytogenetic location: 5q22.2.
Variant type: single nucleotide variant.
Coding change: c.5178A>G on transcript NM_000038.6 (MANE Select); coding-DNA position 5178, A replaced by G.
Protein change: p.Glu1726=; no amino-acid change (glutamic acid 1726 retained).
Molecular consequence: synonymous variant.
Genome position (GRCh38, 1-based): chr5:112,840,772, A>G. VCF-style: chr5-112840772-A-G. GRCh37 (hg19) VCF-style: chr5-112176469-A-G.
Other names: c.5178A>G, p.Glu1726= (NM_001127510.3, NM_001354895.2); c.5124A>G, p.Glu1708= (NM_001127511.3); c.5232A>G, p.Glu1744= (NM_001354896.2); c.5208A>G, p.Glu1736= (NM_001354897.2); c.5103A>G, p.Glu1701= (NM_001354898.2); c.5094A>G, p.Glu1698= (NM_001354899.2); c.5055A>G, p.Glu1685= (NM_001354900.2); c.5001A>G, p.Glu1667= (NM_001354901.2); and 5 more.
Identifiers: ClinVar variation 184975 (VCV000184975.25), dbSNP rs368494571, ClinGen allele CA009919.